The following is an entry in ClinVar:

ClinVar aggregate classification (germline): Uncertain significance. Review status: criteria provided, multiple submitters, no conflicts (2 of 4 stars). 3 submissions from 3 submitters: Uncertain significance (3). Last evaluated 2024-06-07.

Conditions:
Hereditary cancer-predisposing syndrome. Also called: Hereditary Cancer Syndrome; Tumor predisposition; Hereditary neoplastic syndrome; Neoplastic Syndromes, Hereditary. Identifiers: Orphanet 140162, MedGen C0027672, MeSH D009386, MONDO:0015356.
Fanconi anemia (FA). Also called: Fanconi's anemia. Identifiers: Orphanet 84, MedGen C0015625, MeSH D005199, MONDO:0019391.

Submissions (3):

Ambry Genetics
Classification: Uncertain significance for Hereditary cancer-predisposing syndrome. Last evaluated: 2024-06-07. Review status: criteria provided, single submitter. Criteria: Ambry Variant Classification Scheme 2023. Collection method: clinical testing. Allele origin: germline.
Comment: The p.F428C variant (also known as c.1283T>G), located in coding exon 12 of the FANCC gene, results from a T to G substitution at nucleotide position 1283. The phenylalanine at codon 428 is replaced by cysteine, an amino acid with highly dissimilar properties. This amino acid position is conserved. In addition, this alteration is predicted to be deleterious by in silico analysis. Based on the available evidence, the clinical significance of this variant remains unclear.

GeneDx
Classification: Uncertain significance. Last evaluated: 2022-03-10. Review status: criteria provided, single submitter. Criteria: GeneDx Variant Classification Process June 2021. Collection method: clinical testing. Allele origin: germline. Affected: yes.
Comment: Not observed at significant frequency in large population cohorts (gnomAD); In silico analysis supports that this missense variant has a deleterious effect on protein structure/function; Has not been previously published as pathogenic or benign to our knowledge

Labcorp Genetics (formerly Invitae), Labcorp
Classification: Uncertain significance for Fanconi anemia. Last evaluated: 2021-11-26. Review status: criteria provided, single submitter. Criteria: Invitae Variant Classification Sherloc (09022015). Collection method: clinical testing. Allele origin: germline.
Comment: In summary, the available evidence is currently insufficient to determine the role of this variant in disease. Therefore, it has been classified as a Variant of Uncertain Significance. Algorithms developed to predict the effect of missense changes on protein structure and function (SIFT, PolyPhen-2, Align-GVGD) all suggest that this variant is likely to be disruptive. This variant has not been reported in the literature in individuals affected with FANCC-related conditions. This variant is not present in population databases (gnomAD no frequency). This sequence change replaces phenylalanine, which is neutral and non-polar, with cysteine, which is neutral and slightly polar, at codon 428 of the FANCC protein (p.Phe428Cys).

NM_000136.3(FANCC):c.1283T>G (p.Phe428Cys)

Genes: AOPEP (aminopeptidase O (putative); plus strand), FANCC (FA complementation group C; minus strand). Cytogenetic location: 9q22.32.
Variant type: single nucleotide variant.
Coding change: c.1283T>G on transcript NM_000136.3 (MANE Select); coding-DNA position 1283, T replaced by G.
Protein change: p.Phe428Cys; replaces phenylalanine 428 with cysteine.
Molecular consequence: missense variant.
Genome position (GRCh38, 1-based): chr9:95,111,509, A>C on the plus strand (T>G on the coding strand, the complement: FANCC is on the minus strand). VCF-style: chr9-95111509-A-C. GRCh37 (hg19) VCF-style: chr9-97873791-A-C.
Other names: c.1283T>G, p.Phe428Cys (NM_001243743.2, NM_001243744.2); short protein forms F428C.
Identifiers: ClinVar variation 1408454 (VCV001408454.8), dbSNP rs2134547742, ClinGen allele CA374107313.